The following is an entry in ClinVar:

ClinVar aggregate classification (germline): Likely benign. Review status: criteria provided, single submitter (1 of 4 stars). 2 submissions from 2 submitters: Likely benign (1). 1 of the submissions does not count toward it. Last evaluated 2025-12-01.

Conditions:
MATR3-related disorder. Also called: MATR3-related condition.
Amyotrophic lateral sclerosis type 21. Also called: VOCAL CORD AND PHARYNGEAL DYSFUNCTION WITH DISTAL MYOPATHY; MYOPATHY, DISTAL, 2. Identifiers: Orphanet 600, Orphanet 803, MedGen C3807521, MONDO:0011632, OMIM 606070.

Submissions (2):

Labcorp Genetics (formerly Invitae), Labcorp
Classification: Likely benign for Amyotrophic lateral sclerosis type 21. Last evaluated: 2025-12-01. Review status: criteria provided, single submitter. Criteria: Invitae Variant Classification Sherloc (09022015). Collection method: clinical testing. Allele origin: germline.

PreventionGenetics, part of Exact Sciences
Classification: Likely benign for MATR3-related condition. Last evaluated: 2023-06-07. Review status: no assertion criteria provided. Collection method: clinical testing. Allele origin: germline. Not counted in ClinVar's aggregate classification.
Comment: This variant is classified as likely benign based on ACMG/AMP sequence variant interpretation guidelines (Richards et al. 2015 PMID: 25741868, with internal and published modifications).

NM_018834.6(MATR3):c.2494-8_2494-5del

Gene: MATR3 (matrin 3; plus strand). Cytogenetic location: 5q31.2.
Variant type: Microsatellite.
Coding change: c.2494-8_2494-5del on transcript NM_018834.6 (MANE Select); 8 bases into the intron before coding-DNA position 2494 through 5 bases into the intron before coding-DNA position 2494, 4 bases deleted (CTTT; older notation c.2494-8_2494-5delCTTT).
Molecular consequence: intron variant.
Genome position (GRCh38, 1-based): chr5:139,329,337-139,329,340, CTTT deleted; deleting any 4 consecutive bases within chr5:139,329,332-139,329,340 gives the same sequence; the c. name uses the placement nearest the transcript's 3' end. VCF-style (leftmost placement, unchanged base first): chr5-139329331-CTCTT-C. GRCh37 (hg19) VCF-style: chr5-138665020-CTCTT-C.
Other names: c.2494-8_2494-5del (NM_001400451.1, NM_001400450.1, NM_001400455.1 and 11 more transcripts); c.2638-8_2638-5del (NM_001400441.1, NM_001400444.1, NM_001400442.1 and 2 more transcripts); c.1633-8_1633-5del (NM_001400459.1); c.1480-8_1480-5del (NM_001400463.1, NM_001282278.2, NM_001400462.1 and 4 more transcripts); c.1624-8_1624-5del (NM_001400460.1); c.1594-8_1594-5del (NM_001400461.1); c.1630-8_1630-5del (NM_001194956.2); c.2494-8_2494-5delCTTT (NM_199189.2).
Identifiers: ClinVar variation 2038063 (VCV002038063.6), dbSNP rs780449728, ClinGen allele CA3433479.